The following is an entry in ClinVar:

ClinVar aggregate classification (germline): Conflicting classifications of pathogenicity. Review status: criteria provided, conflicting classifications (1 of 4 stars). 6 submissions from 6 submitters: Likely pathogenic (1); Uncertain significance (4). 1 of the submissions does not count toward it. Last evaluated 2025-02-01.

Conditions:
Autosomal recessive Alport syndrome (ATS2). Also called: COL4A3-Related Nephropathy; COL4A4 Alport Syndrome and Thin Basement Membrane Nephropathy; ALPORT SYNDROME 2, AUTOSOMAL RECESSIVE; Alport syndrome type 2. Identifiers: Orphanet 63, Orphanet 88919, MedGen C4746745, MONDO:0008762, OMIM 203780.
Autosomal dominant Alport syndrome (ATS3A). Also called: Alport syndrome dominant type; Renal failure and sensorineural hearing loss; ALPORT SYNDROME 3A, AUTOSOMAL DOMINANT. Identifiers: Orphanet 63, Orphanet 88918, MedGen C5882663, MONDO:0007086, OMIM 104200.
Benign familial hematuria. Also called: thin basement membrane disease. Identifiers: MedGen C0241908, MONDO:0957317.
Alport syndrome. Also called: Hemorrhagic familial nephritis; Hemorrhagic hereditary nephritis; Congenital hereditary hematuria. Identifiers: Orphanet 63, MedGen C1567741, MONDO:0018965.

Allele frequency attached by ClinVar (database versions not stated): ExAC 0.00001; gnomAD exomes 0.00001 and 0.00002; TOPMed 0.00001.

Submissions (6):

CeGaT Center for Human Genetics Tuebingen
Classification: Likely pathogenic. Last evaluated: 2025-02-01. Review status: criteria provided, single submitter. Criteria: CeGaT Center For Human Genetics Tuebingen Variant Classification Criteria Version 2. Collection method: clinical testing. Allele origin: germline. Affected: yes. Observed: 6 variant alleles.
Comment: COL4A3: PM1:Strong, PM2, PS4:Supporting

Victorian Clinical Genetics Services, Murdoch Childrens Research Institute
Classification: Uncertain significance for Alport syndrome. Last evaluated: 2023-07-17. Review status: criteria provided, single submitter. Criteria: ACMG Guidelines, 2015. Collection method: clinical testing. Allele origin: germline. Affected: yes.
Comment: Based on the classification scheme VCGS_Germline_v1.3.4, this variant is classified as VUS-3B. Following criteria are met: 0103 - Dominant negative and loss of function are known mechanisms of disease in this gene and are associated with COL4A3-related nephropathy. Glycine changes that are part of a G-X-Y repeat in the triple helix of a collagen domain are known to have a dominant negative effect (PMID: 12028435). (I) 0108 - This gene is associated with both recessive (Alport syndrome 2 MIM#203780) and dominant disease (Alport syndrome 3 MIM#104200 and benign familial haematuria MIM#141200) (OMIM). (I) 0200 - Variant is predicted to result in a missense amino acid change from glycine to arginine. (I) 0251 - This variant is heterozygous. (I) 0304 - Variant is present in gnomAD (v2) <0.01 (4 heterozygotes, 0 homozygotes). (SP) 0309 - An alternative amino acid change at the same position has been observed in gnomAD (v3) (1 heterozygote, 0 homozygotes). (I) 0501 - Missense variant consistently predicted to be damaging by multiple in silico tools or highly conserved with a major amino acid change. (SP) 0600 - Variant is located in the annotated collagen domain and affects a glycine residue (DECIPHER). However this glycine residue is at a gap in the Gly-X-Y repeat motif. (I) 0705 - No comparable missense variants have previous evidence for pathogenicity. (I) 0808 - Previous reports of pathogenicity for this variant are conflicting. This variant has been classified as a VUS by four clinical laboratories in ClinVar, and in a paper where it was observed in an individual with thin basement membrane nephropathy who also had a likely pathogenic COL4A4 variant (PMID: 36292665). This variant has also been classified as likely pathogenic in the literature, where it was observed in an individual with autosomal recessive Alport syndrome (PMID: 33772369). Another literature report describes this variant as heterozygous in an individual with deafness who was not noted to have a second hit; the variant was not classified in this instance (PMID: 23967202). (I) 0905 - No published segregation evidence has been identified for this variant. (I) 1007 - No published functional evidence has been identified for this variant. (I) 1208 - Inheritance information for this variant is not currently available in this individual. (I) Legend: (SP) - Supporting pathogenic, (I) - Information, (SB) - Supporting benign

Fulgent Genetics
Classification: Uncertain significance for Autosomal dominant Alport syndrome; Hematuria, benign familial, 1; Autosomal recessive Alport syndrome. Last evaluated: 2022-05-20. Review status: criteria provided, single submitter. Criteria: ACMG Guidelines, 2015. Collection method: clinical testing. Allele origin: unknown.

Labcorp Genetics (formerly Invitae), Labcorp
Classification: Uncertain significance. Last evaluated: 2022-03-20. Review status: criteria provided, single submitter. Criteria: Invitae Variant Classification Sherloc (09022015). Collection method: clinical testing. Allele origin: germline.
Comment: This sequence change replaces glycine, which is neutral and non-polar, with arginine, which is basic and polar, at codon 157 of the COL4A3 protein (p.Gly157Arg). This variant is present in population databases (rs764451365, gnomAD 0.006%). This missense change has been observed in individual(s) with bilateral sensorineural hearing loss (PMID: 23967202). ClinVar contains an entry for this variant (Variation ID: 550529). Algorithms developed to predict the effect of missense changes on protein structure and function are either unavailable or do not agree on the potential impact of this missense change (SIFT: "Tolerated"; PolyPhen-2: "Probably Damaging"; Align-GVGD: "Class C0"). In summary, the available evidence is currently insufficient to determine the role of this variant in disease. Therefore, it has been classified as a Variant of Uncertain Significance.

Eurofins Ntd Llc (ga)
Classification: Uncertain significance. Last evaluated: 2017-11-09. Review status: criteria provided, single submitter. Criteria: EGL Classification Definitions 2015. Collection method: clinical testing. Allele origin: germline. Observed: 1 variant allele, 1 heterozygote.

Counsyl
Classification: Uncertain significance for Autosomal recessive Alport syndrome. Last evaluated: 2017-01-27. Review status: no assertion criteria provided. Collection method: clinical testing. Allele origin: unknown. Not counted in ClinVar's aggregate classification.

Literature cited by the submitters: PubMed 12028435 (cited by Victorian Clinical Genetics Services, Murdoch Childrens Research Institute); PubMed 23967202 (cited by 3 submitters); PubMed 33772369 (cited by Victorian Clinical Genetics Services, Murdoch Childrens Research Institute); PubMed 36292665 (cited by Victorian Clinical Genetics Services, Murdoch Childrens Research Institute).

NM_000091.5(COL4A3):c.469G>C (p.Gly157Arg)

Genes: COL4A3 (collagen type IV alpha 3 chain; plus strand), MFF-DT (MFF divergent transcript; minus strand). Cytogenetic location: 2q36.3.
Variant type: single nucleotide variant.
Coding change: c.469G>C on transcript NM_000091.5 (MANE Select); coding-DNA position 469, G replaced by C.
Protein change: p.Gly157Arg; replaces glycine 157 with arginine.
Molecular consequence: missense variant.
Genome position (GRCh38, 1-based): chr2:227,248,443, G>C. VCF-style: chr2-227248443-G-C. GRCh37 (hg19) VCF-style: chr2-228113159-G-C.
Other names: short protein forms G157R.
Identifiers: ClinVar variation 550529 (VCV000550529.53), dbSNP rs764451365, ClinGen allele CA2146169.